The following is an entry in ClinVar:

ClinVar aggregate classification (germline): Uncertain significance. Review status: criteria provided, multiple submitters, no conflicts (2 of 4 stars). 2 submissions from 2 submitters: Uncertain significance (2). Last evaluated 2025-03-20.

Conditions:
Hereditary nonpolyposis colorectal neoplasms. Identifiers: MedGen C0009405, MeSH D003123.
Hereditary cancer-predisposing syndrome. Also called: Hereditary neoplastic syndrome; Tumor predisposition; Neoplastic Syndromes, Hereditary; Hereditary Cancer Syndrome. Identifiers: Orphanet 140162, MedGen C0027672, MeSH D009386, MONDO:0015356.

Submissions (2):

Ambry Genetics
Classification: Uncertain significance for Hereditary cancer-predisposing syndrome. Last evaluated: 2025-03-20. Review status: criteria provided, single submitter. Criteria: Ambry Variant Classification Scheme 2023. Collection method: clinical testing. Allele origin: germline.
Comment: The p.S574L variant (also known as c.1721C>T), located in coding exon 4 of the MSH6 gene, results from a C to T substitution at nucleotide position 1721. The serine at codon 574 is replaced by leucine, an amino acid with dissimilar properties. This amino acid position is not well conserved in available vertebrate species. In addition, this alteration is predicted to be tolerated by in silico analysis. Based on the available evidence, the clinical significance of this variant remains unclear.

Labcorp Genetics (formerly Invitae), Labcorp
Classification: Uncertain significance for Hereditary nonpolyposis colorectal neoplasms. Last evaluated: 2023-05-11. Review status: criteria provided, single submitter. Criteria: Invitae Variant Classification Sherloc (09022015). Collection method: clinical testing. Allele origin: germline.
Comment: In summary, the available evidence is currently insufficient to determine the role of this variant in disease. Therefore, it has been classified as a Variant of Uncertain Significance. Advanced modeling of protein sequence and biophysical properties (such as structural, functional, and spatial information, amino acid conservation, physicochemical variation, residue mobility, and thermodynamic stability) performed at Invitae indicates that this missense variant is not expected to disrupt MSH6 protein function. This variant has not been reported in the literature in individuals affected with MSH6-related conditions. This variant is not present in population databases (gnomAD no frequency). This sequence change replaces serine, which is neutral and polar, with leucine, which is neutral and non-polar, at codon 574 of the MSH6 protein (p.Ser574Leu).

NM_000179.3(MSH6):c.1721C>T (p.Ser574Leu)

Gene: MSH6 (mutS homolog 6; plus strand). Cytogenetic location: 2p16.3.
Variant type: single nucleotide variant.
Coding change: c.1721C>T on transcript NM_000179.3 (MANE Select); coding-DNA position 1721, C replaced by T.
Protein change: p.Ser574Leu; replaces serine 574 with leucine.
Molecular consequence: missense variant. On other transcripts: non-coding transcript variant (4), intron variant (2).
Genome position (GRCh38, 1-based): chr2:47,799,704, C>T. VCF-style: chr2-47799704-C-T. GRCh37 (hg19) VCF-style: chr2-48026843-C-T.
Other names: c.1331C>T, p.Ser444Leu (NM_001281492.2); c.815C>T, p.Ser272Leu (NM_001281493.2, NM_001281494.2, NM_001406811.1 and 6 more transcripts); c.1817C>T, p.Ser606Leu (NM_001406795.1, NM_001406802.1); c.1721C>T, p.Ser574Leu (NM_001406796.1, NM_001406798.1, NM_001406800.1 and 3 more transcripts); c.1424C>T, p.Ser475Leu (NM_001406797.1, NM_001406801.1, NM_001406805.1 and 10 more transcripts); c.1196C>T, p.Ser399Leu (NM_001406799.1, NM_001406806.1, NM_001406807.1); c.1643C>T, p.Ser548Leu (NM_001406804.1); c.1727C>T, p.Ser576Leu (NM_001406813.1); and 3 more; short protein forms S518L, S548L, S272L, S444L, S576L, S606L, S475L, S399L.
Identifiers: ClinVar variation 2862765 (VCV002862765.4), dbSNP rs1669365820, ClinGen allele CA346748687.